The following is an entry in ClinVar:

ClinVar aggregate classification (germline): Uncertain significance (1 of 4 stars; one submission).

gnomAD v4.1: 15 of 1,614,028 alleles (0.00093%); highest among the groups gnomAD compares: African/African-American, 0.015%; no homozygotes.

Submission:

Labcorp Genetics (formerly Invitae), Labcorp
Classification: Uncertain significance. Last evaluated: 2024-03-28. Review status: criteria provided, single submitter. Criteria: Invitae Variant Classification Sherloc (09022015). Collection method: clinical testing. Allele origin: germline.
Comment: This sequence change falls in intron 29 of the DUOX2 gene. It does not directly change the encoded amino acid sequence of the DUOX2 protein. It affects a nucleotide within the consensus splice site. This variant is present in population databases (no rsID available, gnomAD 0.01%). This variant has not been reported in the literature in individuals affected with DUOX2-related conditions. Variants that disrupt the consensus splice site are a relatively common cause of aberrant splicing (PMID: 17576681, 9536098). Algorithms developed to predict the effect of sequence changes on RNA splicing suggest that this variant is not likely to affect RNA splicing. In summary, the available evidence is currently insufficient to determine the role of this variant in disease. Therefore, it has been classified as a Variant of Uncertain Significance.

Literature cited by the submitters: PubMed 17576681; PubMed 9536098.

NM_001363711.2(DUOX2):c.3847+4T>A

Gene: DUOX2 (dual oxidase 2; minus strand). Cytogenetic location: 15q21.1.
Variant type: single nucleotide variant.
Coding change: c.3847+4T>A on transcript NM_001363711.2 (MANE Select); 4 bases into the intron after coding-DNA position 3847, T replaced by A.
Molecular consequence: intron variant.
Genome position (GRCh38, 1-based): chr15:45,097,234, A>T on the plus strand (T>A on the coding strand, the complement: DUOX2 is on the minus strand). VCF-style: chr15-45097234-A-T. GRCh37 (hg19) VCF-style: chr15-45389432-A-T.
Other names: c.3847+4T>A (NM_014080.5).
Identifiers: ClinVar variation 3625627 (VCV003625627.2).